The following is an entry in ClinVar:

ClinVar aggregate classification (germline): Likely benign. Review status: criteria provided, multiple submitters, no conflicts (2 of 4 stars). 2 submissions from 2 submitters: Likely benign (2). Last evaluated 2018-06-19.

Allele frequency attached by ClinVar (database versions not stated): gnomAD 0.04155 and 0.04619; TOPMed 0.04626; gnomAD exomes 0.04925; 1000 Genomes Project 30x 0.08635; 1000 Genomes Project 0.08906.
gnomAD v4.1: 38,544 of 796,140 alleles (4.8%); highest among the groups gnomAD compares: East Asian, 20%; 1,737 homozygotes.

Submissions (2):

GeneDx
Classification: Likely benign. Last evaluated: 2018-06-19. Review status: criteria provided, single submitter. Criteria: GeneDx Variant Classification (06012015). Collection method: clinical testing. Allele origin: germline. Affected: yes.
Comment: This variant is considered likely benign or benign based on one or more of the following criteria: it is a conservative change, it occurs at a poorly conserved position in the protein, it is predicted to be benign by multiple in silico algorithms, and/or has population frequency not consistent with disease.

Breakthrough Genomics
Classification: Likely benign. Review status: criteria provided, single submitter. Criteria: ACMG Guidelines, 2015. Collection method: not provided. Allele origin: germline. Inheritance: Autosomal recessive inheritance. Affected: yes.

NM_133642.5(LARGE1):c.2073+152G>A

Gene: LARGE1 (LARGE xylosyl- and glucuronyltransferase 1; minus strand). Cytogenetic location: 22q12.3.
Variant type: single nucleotide variant.
Coding change: c.2073+152G>A on transcript NM_133642.5 (MANE Select); 152 bases into the intron after coding-DNA position 2073, G replaced by A.
Molecular consequence: intron variant.
Genome position (GRCh38, 1-based): chr22:33,276,908, C>T on the plus strand (G>A on the coding strand, the complement: LARGE1 is on the minus strand). VCF-style: chr22-33276908-C-T. GRCh37 (hg19) VCF-style: chr22-33672894-C-T.
Other names: c.2073+152G>A (NM_001362953.2, NM_001362949.2, NM_001362951.2 and 4 more transcripts); c.1926+152G>A (NM_001378627.1, NM_001378628.1); c.1917+152G>A (NM_001378629.1); c.1167+152G>A (NM_001378631.1); c.1470+152G>A (NM_001378630.1).
Identifiers: ClinVar variation 674467 (VCV000674467.2), dbSNP rs2075921, ClinGen allele CA16000106.